The following is an entry in ClinVar:

NM_144687.4(NLRP12):c.551C>T (p.Ala184Val)

Gene: NLRP12 (NLR family pyrin domain containing 12; minus strand). Cytogenetic location: 19q13.42.
Variant type: single nucleotide variant.
Coding change: c.551C>T on transcript NM_144687.4 (MANE Select); coding-DNA position 551, C replaced by T.
Protein change: p.Ala184Val; replaces alanine 184 with valine.
Molecular consequence: missense variant.
Genome position (GRCh38, 1-based): chr19:53,811,108, G>A on the plus strand (C>T on the coding strand, the complement: NLRP12 is on the minus strand). VCF-style: chr19-53811108-G-A. GRCh37 (hg19) VCF-style: chr19-54314362-G-A.
Other names: c.551C>T, p.Ala184Val (NM_001277126.2, NM_001277129.1); short protein forms A184V.
Identifiers: ClinVar variation 859578 (VCV000859578.10), dbSNP rs2092066775, ClinGen allele CA407416563.

ClinVar aggregate classification (germline): Uncertain significance. Review status: criteria provided, multiple submitters, no conflicts (2 of 4 stars). 2 submissions from 2 submitters: Uncertain significance (2). Last evaluated 2025-10-18.

Conditions:
Familial cold autoinflammatory syndrome 2 (FCAS2). Identifiers: Orphanet 247868, MedGen C2673198, MONDO:0012724, OMIM 611762.

Allele frequency attached by ClinVar (database versions not stated): gnomAD exomes below 0.00001.
gnomAD v4.1: 4 of 1,614,024 alleles (0.00025%); highest among the groups gnomAD compares: Middle Eastern, 0.033%; no homozygotes.

Submissions (2):

Labcorp Genetics (formerly Invitae), Labcorp
Classification: Uncertain significance for Familial cold autoinflammatory syndrome 2. Last evaluated: 2025-10-18. Review status: criteria provided, single submitter. Criteria: Invitae Variant Classification Sherloc (09022015). Collection method: clinical testing. Allele origin: germline.
Comment: This sequence change replaces alanine, which is neutral and non-polar, with valine, which is neutral and non-polar, at codon 184 of the NLRP12 protein (p.Ala184Val). This variant is not present in population databases (gnomAD no frequency). This variant has not been reported in the literature in individuals affected with NLRP12-related conditions. ClinVar contains an entry for this variant (Variation ID: 859578). An algorithm developed to predict the effect of missense changes on protein structure and function (PolyPhen-2) suggests that this variant is likely to be tolerated. In summary, the available evidence is currently insufficient to determine the role of this variant in disease. Therefore, it has been classified as a Variant of Uncertain Significance.

Revvity Omics, Revvity
Classification: Uncertain significance for Familial cold autoinflammatory syndrome 2. Last evaluated: 2024-09-24. Review status: criteria provided, single submitter. Criteria: ACMG Guidelines, 2015. Collection method: clinical testing. Allele origin: germline.